The following is an entry in ClinVar:

NM_152703.5(SAMD9L):c.3550A>G (p.Lys1184Glu)

Gene: SAMD9L (sterile alpha motif domain containing 9 like; minus strand). Cytogenetic location: 7q21.2.
Variant type: single nucleotide variant.
Coding change: c.3550A>G on transcript NM_152703.5 (MANE Select); coding-DNA position 3550, A replaced by G.
Protein change: p.Lys1184Glu; replaces lysine 1184 with glutamic acid.
Molecular consequence: missense variant.
Genome position (GRCh38, 1-based): chr7:93,132,422, T>C on the plus strand (A>G on the coding strand, the complement: SAMD9L is on the minus strand). VCF-style: chr7-93132422-T-C. GRCh37 (hg19) VCF-style: chr7-92761735-T-C.
Other names: c.3550A>G, p.Lys1184Glu (NM_001303496.3, NM_001303497.3, NM_001303498.3 and 5 more transcripts); short protein forms K1184E.
Identifiers: ClinVar variation 2120451 (VCV002120451.4), dbSNP rs2535411420, ClinGen allele CA368181732.

ClinVar aggregate classification (germline): Uncertain significance (1 of 4 stars; one submission).

Allele frequency attached by ClinVar (database versions not stated): gnomAD exomes below 0.00001.
gnomAD v4.1: 1 of 1,613,774 alleles (0.000062%); highest among the groups gnomAD compares: Non-Finnish European, 0.000085%; no homozygotes.

Submission:

Labcorp Genetics (formerly Invitae), Labcorp
Classification: Uncertain significance. Last evaluated: 2022-08-27. Review status: criteria provided, single submitter. Criteria: Invitae Variant Classification Sherloc (09022015). Collection method: clinical testing. Allele origin: germline.
Comment: In summary, the available evidence is currently insufficient to determine the role of this variant in disease. Therefore, it has been classified as a Variant of Uncertain Significance. Algorithms developed to predict the effect of missense changes on protein structure and function are either unavailable or do not agree on the potential impact of this missense change (SIFT: "Not Available"; PolyPhen-2: "Possibly Damaging"; Align-GVGD: "Not Available"). This variant has not been reported in the literature in individuals affected with SAMD9L-related conditions. This variant is not present in population databases (gnomAD no frequency). This sequence change replaces lysine, which is basic and polar, with glutamic acid, which is acidic and polar, at codon 1184 of the SAMD9L protein (p.Lys1184Glu).